The following is an entry in ClinVar:

ClinVar aggregate classification (germline): Uncertain significance (1 of 4 stars; one submission).

Conditions:
Cystic fibrosis (CF). Also called: MUCOVISCIDOSIS. Identifiers: Orphanet 586, MedGen C0010674, MONDO:0009061, OMIM 219700. Disease mechanism: loss of function.

Allele frequency attached by ClinVar (database versions not stated): TOPMed 0.00037; gnomAD 0.00039 and 0.00041; 1000 Genomes Project 30x 0.00031; 1000 Genomes Project 0.00040.
gnomAD v4.1: 58 of 152,160 alleles (0.038%); highest among the groups gnomAD compares: African/African-American, 0.13%; no homozygotes.

Submission:

Johns Hopkins Genomics, Johns Hopkins University
Classification: Uncertain significance for Cystic fibrosis. Last evaluated: 2021-09-07. Review status: criteria provided, single submitter. Criteria: ACMG Guidelines, 2015. Collection method: clinical testing. Allele origin: germline.
Comment: This intronic CFTR variant (rs575989053) is present in a large population dataset (gnomAD: 9/31382 total alleles; 0.03%; no homozygotes). It has not been reported in ClinVar nor the literature, to our knowledge. Three bioinformatic tools predict that this variant may create a cryptic donor site, however, this has not been assessed experimentally to our knowledge. We consider the clinical significance of CFTR c.3873+2194A>G to be uncertain at this time.

NM_000492.4(CFTR):c.3873+2194A>G

Genes: CFTR (CF transmembrane conductance regulator; plus strand), CFTR-AS2 (CFTR antisense RNA 2; minus strand), LOC111674467 (CFTR intron 20 enhancer; plus strand). Cytogenetic location: 7q31.2.
Variant type: single nucleotide variant.
Coding change: c.3873+2194A>G on transcript NM_000492.4 (MANE Select); 2194 bases into the intron after coding-DNA position 3873, A replaced by G.
Molecular consequence: intron variant.
Genome position (GRCh38, 1-based): chr7:117,644,787, A>G. VCF-style: chr7-117644787-A-G. GRCh37 (hg19) VCF-style: chr7-117284841-A-G.
Identifiers: ClinVar variation 1275750 (VCV001275750.1), dbSNP rs575989053, ClinGen allele CA164948686.